The following is an entry in ClinVar:

ClinVar aggregate classification (germline): Benign/Likely benign. Review status: criteria provided, multiple submitters, no conflicts (2 of 4 stars). 3 submissions from 3 submitters: Benign (1); Likely benign (2). Last evaluated 2026-06-17.

Conditions:
Polyps, multiple and recurrent inflammatory fibroid, gastrointestinal. Identifiers: MedGen C5193005, MONDO:0008285, OMIM 175510.
Gastrointestinal stromal tumor. Also called: Gastrointestinal stromal tumor, somatic; Gastrointestinal stroma tumor. Identifiers: Orphanet 44890, MedGen C0238198, MeSH D046152, MONDO:0011719, OMIM 606764, HP:0100723.
Hereditary cancer-predisposing syndrome. Also called: Neoplastic Syndromes, Hereditary; Hereditary Cancer Syndrome; Hereditary neoplastic syndrome; Tumor predisposition. Identifiers: Orphanet 140162, MedGen C0027672, MeSH D009386, MONDO:0015356.

Allele frequency attached by ClinVar (database versions not stated): ExAC 0.00001; TOPMed 0.00001; gnomAD exomes 0.00002 and 0.00003; ESP Exome Variant Server 0.00008.
gnomAD v4.1: 49 of 1,612,298 alleles (0.003%); highest among the groups gnomAD compares: Non-Finnish European, 0.0037%; no homozygotes.

Submissions (3):

Myriad Genetics, Inc.
Classification: Benign for Polyps, multiple and recurrent inflammatory fibroid, gastrointestinal. Last evaluated: 2026-06-17. Review status: criteria provided, single submitter. Criteria: Myriad Autosomal Dominant, Autosomal Recessive and X-Linked Classification Criteria (2023). Collection method: clinical testing. Allele origin: unknown.
Comment: This variant is considered benign. This variant is a silent/synonymous amino acid change and it is not expected to impact splicing.

Labcorp Genetics (formerly Invitae), Labcorp
Classification: Likely benign for Gastrointestinal stromal tumor. Last evaluated: 2025-12-30. Review status: criteria provided, single submitter. Criteria: Invitae Variant Classification Sherloc (09022015). Collection method: clinical testing. Allele origin: germline.

Ambry Genetics
Classification: Likely benign for Hereditary cancer-predisposing syndrome. Last evaluated: 2020-03-25. Review status: criteria provided, single submitter. Criteria: Ambry Variant Classification Scheme 2023. Collection method: clinical testing. Allele origin: germline.

NM_006206.6(PDGFRA):c.2217T>A (p.Thr739=)

Gene: PDGFRA (platelet derived growth factor receptor alpha; plus strand). Cytogenetic location: 4q12.
Variant type: single nucleotide variant.
Coding change: c.2217T>A on transcript NM_006206.6 (MANE Select); coding-DNA position 2217, T replaced by A.
Protein change: p.Thr739=; no amino-acid change (threonine 739 retained).
Molecular consequence: synonymous variant.
Genome position (GRCh38, 1-based): chr4:54,280,376, T>A. VCF-style: chr4-54280376-T-A. GRCh37 (hg19) VCF-style: chr4-55146543-T-A.
Other names: c.2217T>A, p.Thr739= (NM_001347827.2, NM_001347829.2); c.2292T>A, p.Thr764= (NM_001347828.2); c.2256T>A, p.Thr752= (NM_001347830.2).
Identifiers: ClinVar variation 697597 (VCV000697597.14), dbSNP rs139301546, ClinGen allele CA2922789.
Genomic context (GRCh38, chr4:54,280,376, plus strand): 5'-CTATGTTATTTTATCTTTTGAAAACAATGGTGACTACATGGACATGAAGCAGGCTGATAC[T>A]ACACAGTATGTCCCCATGCTAGAAAGGAAAGAGGTTTCTAAATATTCCGACATCCAGAGA-3'
Protein context (NP_006197.1, residues 729-749): GDYMDMKQAD[Thr739=]TQYVPMLERK